The following is an entry in ClinVar:

ClinVar aggregate classification (germline): Pathogenic (1 of 4 stars; one submission).

Submission:

Labcorp Genetics (formerly Invitae), Labcorp
Classification: Pathogenic. Last evaluated: 2022-10-07. Review status: criteria provided, single submitter. Criteria: Invitae Variant Classification Sherloc (09022015). Collection method: clinical testing. Allele origin: unknown.
Comment: For these reasons, this variant has been classified as Pathogenic. The region of the PRPF31 gene that includes exon(s) 4-13 has been determined to be clinically significant (PMID: 17003455, 28041643). Therefore, deletions that encompass that region are likely to be disease-causing. This variant has not been reported in the literature in individuals affected with PRPF31-related conditions. This variant is a gross deletion of the genomic region encompassing exon(s) 4-14 of the PRPF31 gene, which includes the termination codon. This deletion extends beyond the assayed region for this gene and therefore may encompass additional genes. While this deletion is not anticipated to lead to nonsense mediated decay, it is expected to alter mRNA translation or result in a truncated protein product.

Literature cited by the submitters: PubMed 17003455; PubMed 28041643.

NC_000019.9:g.(?_54625219)_(54659145_?)del

Genes: CNOT3 (CCR4-NOT transcription complex subunit 3; plus strand), PRPF31 (pre-mRNA processing factor 31; plus strand). Cytogenetic location: 19q13.42.
Variant type: Deletion.
Identifiers: ClinVar variation 3242697 (VCV003242697.1).